The following is an entry in ClinVar:

NM_001286.5(CLCN6):c.73A>C (p.Thr25Pro)

Gene: CLCN6 (chloride voltage-gated channel 6; plus strand). Cytogenetic location: 1p36.22.
Variant type: single nucleotide variant.
Coding change: c.73A>C on transcript NM_001286.5 (MANE Select); coding-DNA position 73, A replaced by C.
Protein change: p.Thr25Pro; replaces threonine 25 with proline.
Molecular consequence: missense variant. On other transcripts: non-coding transcript variant (1).
Genome position (GRCh38, 1-based): chr1:11,806,335, A>C. VCF-style: chr1-11806335-A-C. GRCh37 (hg19) VCF-style: chr1-11866392-A-C.
Other names: c.73A>C, p.Thr25Pro (NM_001256959.2); short protein forms T25P.
Identifiers: ClinVar variation 1377481 (VCV001377481.8), dbSNP rs2100593041, ClinGen allele CA338424101.
Genomic context (GRCh38, chr1:11,806,335, plus strand): 5'-AGGGGGTCTCTGTGCTGCTGCTGCAGGTGGTGCTGCTGCTGCGGTGAGCGTGAGACCCGC[A>C]CCCCCGAGGAGCTGGTAAGAAGCCGGCGGAGTCGGCCTGGGGAGGGGGCGGTTGCTAAGG-3'
Protein context (NP_001277.2, residues 15-35): CCCCGERETR[Thr25Pro]PEELTILGET

ClinVar aggregate classification (germline): Uncertain significance (1 of 4 stars; one submission).

Submission:

Labcorp Genetics (formerly Invitae), Labcorp
Classification: Uncertain significance. Last evaluated: 2022-10-09. Review status: criteria provided, single submitter. Criteria: Invitae Variant Classification Sherloc (09022015). Collection method: clinical testing. Allele origin: germline.
Comment: This variant is not present in population databases (gnomAD no frequency). In summary, the available evidence is currently insufficient to determine the role of this variant in disease. Therefore, it has been classified as a Variant of Uncertain Significance. Algorithms developed to predict the effect of missense changes on protein structure and function are either unavailable or do not agree on the potential impact of this missense change (SIFT: "Deleterious"; PolyPhen-2: "Possibly Damaging"; Align-GVGD: "Class C0"). ClinVar contains an entry for this variant (Variation ID: 1377481). This variant has not been reported in the literature in individuals affected with CLCN6-related conditions. This sequence change replaces threonine, which is neutral and polar, with proline, which is neutral and non-polar, at codon 25 of the CLCN6 protein (p.Thr25Pro).